The following is an entry in ClinVar:

ClinVar aggregate classification (germline): Uncertain significance (1 of 4 stars; one submission).

gnomAD v4.1: 5 of 1,612,978 alleles (0.00031%); highest among the groups gnomAD compares: Admixed American, 0.0067%; no homozygotes.

Submission:

Mayo Clinic Laboratories, Mayo Clinic
Classification: Uncertain significance. Last evaluated: 2024-10-09. Review status: criteria provided, single submitter. Criteria: ACMG Guidelines, 2015. Collection method: clinical testing. Allele origin: germline. Observed: 1 variant allele.
Comment: PM2_supporting

NM_138694.4(PKHD1):c.6446G>C (p.Arg2149Thr)

Gene: PKHD1 (PKHD1 ciliary IPT domain containing fibrocystin/polyductin; minus strand). Cytogenetic location: 6p12.2.
Variant type: single nucleotide variant.
Coding change: c.6446G>C on transcript NM_138694.4 (MANE Select); coding-DNA position 6446, G replaced by C.
Protein change: p.Arg2149Thr; replaces arginine 2149 with threonine.
Molecular consequence: missense variant.
Genome position (GRCh38, 1-based): chr6:51,911,843, C>G on the plus strand (G>C on the coding strand, the complement: PKHD1 is on the minus strand). VCF-style: chr6-51911843-C-G. GRCh37 (hg19) VCF-style: chr6-51776641-C-G.
Other names: p.Arg2149Thr; c.6446G>C, p.Arg2149Thr (NM_170724.3); short protein forms R2149T.
Identifiers: ClinVar variation 4541168 (VCV004541168.1).